The following is an entry in ClinVar:

NM_153603.4(COG7):c.1456G>A (p.Glu486Lys)

Gene: COG7 (component of oligomeric golgi complex 7; minus strand). Cytogenetic location: 16p12.2.
Variant type: single nucleotide variant.
Coding change: c.1456G>A on transcript NM_153603.4 (MANE Select); coding-DNA position 1456, G replaced by A.
Protein change: p.Glu486Lys; replaces glutamic acid 486 with lysine.
Molecular consequence: missense variant.
Genome position (GRCh38, 1-based): chr16:23,410,314, C>T on the plus strand (G>A on the coding strand, the complement: COG7 is on the minus strand). VCF-style: chr16-23410314-C-T. GRCh37 (hg19) VCF-style: chr16-23421635-C-T.
Other names: c.1456G>A (NM_153603.3); short protein forms E486K.
Identifiers: ClinVar variation 2498655 (VCV002498655.30), dbSNP rs781068033, ClinGen allele CA7960971.

ClinVar aggregate classification (germline): Uncertain significance. Review status: criteria provided, multiple submitters, no conflicts (2 of 4 stars). 3 submissions from 3 submitters: Uncertain significance (3). Last evaluated 2025-06-03.

Conditions:
Inborn genetic diseases. Identifiers: MedGen C0950123, MeSH D030342.
COG7 congenital disorder of glycosylation (CDG2E). Also called: CONGENITAL DISORDER OF GLYCOSYLATION, TYPE IIe; CDG IIe. Identifiers: Orphanet 79333, MedGen C2931010, MONDO:0012118, OMIM 608779.

Allele frequency attached by ClinVar (database versions not stated): ExAC 0.00001; TOPMed 0.00001; gnomAD 0.00002.
gnomAD v4.1: 11 of 1,613,922 alleles (0.00068%); highest among the groups gnomAD compares: East Asian, 0.0022%; no homozygotes.

Submissions (3):

Ambry Genetics
Classification: Uncertain significance for Inborn genetic diseases. Last evaluated: 2025-06-03. Review status: criteria provided, single submitter. Criteria: Ambry Variant Classification Scheme 2023. Collection method: clinical testing. Allele origin: germline.

Labcorp Genetics (formerly Invitae), Labcorp
Classification: Uncertain significance for COG7 congenital disorder of glycosylation. Last evaluated: 2023-12-11. Review status: criteria provided, single submitter. Criteria: Invitae Variant Classification Sherloc (09022015). Collection method: clinical testing. Allele origin: germline.
Comment: This sequence change replaces glutamic acid, which is acidic and polar, with lysine, which is basic and polar, at codon 486 of the COG7 protein (p.Glu486Lys). This variant is present in population databases (rs781068033, gnomAD 0.06%). This variant has not been reported in the literature in individuals affected with COG7-related conditions. ClinVar contains an entry for this variant (Variation ID: 2498655). Advanced modeling of protein sequence and biophysical properties (such as structural, functional, and spatial information, amino acid conservation, physicochemical variation, residue mobility, and thermodynamic stability) performed at Invitae indicates that this missense variant is not expected to disrupt COG7 protein function with a negative predictive value of 80%. In summary, the available evidence is currently insufficient to determine the role of this variant in disease. Therefore, it has been classified as a Variant of Uncertain Significance.

CeGaT Center for Human Genetics Tuebingen
Classification: Uncertain significance. Last evaluated: 2023-01-01. Review status: criteria provided, single submitter. Criteria: CeGaT Center For Human Genetics Tuebingen Variant Classification Criteria Version 2. Collection method: clinical testing. Allele origin: germline. Affected: yes. Observed: 1 variant allele.